The following is an entry in ClinVar:

NM_014141.6(CNTNAP2):c.1046A>G (p.Asp349Gly)

Gene: CNTNAP2 (contactin associated protein 2; plus strand). Cytogenetic location: 7q35.
Variant type: single nucleotide variant.
Coding change: c.1046A>G on transcript NM_014141.6 (MANE Select); coding-DNA position 1046, A replaced by G.
Protein change: p.Asp349Gly; replaces aspartic acid 349 with glycine.
Molecular consequence: missense variant.
Genome position (GRCh38, 1-based): chr7:147,128,799, A>G. VCF-style: chr7-147128799-A-G. GRCh37 (hg19) VCF-style: chr7-146825891-A-G.
Other names: short protein forms D349G.
Identifiers: ClinVar variation 1321137 (VCV001321137.2), dbSNP rs2129284412, ClinGen allele CA369924358.

ClinVar aggregate classification (germline): Uncertain significance (1 of 4 stars; one submission).

Submission:

GeneDx
Classification: Uncertain significance. Last evaluated: 2020-07-07. Review status: criteria provided, single submitter. Criteria: GeneDx Variant Classification Process June 2021. Collection method: clinical testing. Allele origin: germline. Affected: yes.
Comment: Not observed in large population cohorts (Lek et al., 2016); In silico analysis supports that this missense variant has a deleterious effect on protein structure/function; Has not been previously published as pathogenic or benign to our knowledge